The following is an entry in ClinVar:

NM_004937.3(CTNS):c.1045T>G (p.Phe349Val)

Gene: CTNS (cystinosin, lysosomal cystine transporter; plus strand). Cytogenetic location: 17p13.2.
Variant type: single nucleotide variant.
Coding change: c.1045T>G on transcript NM_004937.3 (MANE Select); coding-DNA position 1045, T replaced by G.
Protein change: p.Phe349Val; replaces phenylalanine 349 with valine.
Molecular consequence: missense variant.
Genome position (GRCh38, 1-based): chr17:3,660,310, T>G. VCF-style: chr17-3660310-T-G. GRCh37 (hg19) VCF-style: chr17-3563604-T-G.
Other names: p.(Phe349Val); c.1045T>G, p.Phe349Val (NM_001031681.3, NM_001374492.1); c.604T>G, p.Phe202Val (NM_001374493.1, NM_001374494.1, NM_001374495.1 and 1 more transcripts); short protein forms F202V, F349V.
Identifiers: ClinVar variation 2069596 (VCV002069596.6), dbSNP rs748094459, ClinGen allele CA8292023.
Genomic context (GRCh38, chr17:3,660,310, plus strand): 5'-ATCTTCGGAGACCCAACCAAGTTTGGACTCGGGGTCTTCTCCATCGTCTTCGACGTCGTC[T>G]TCTTCATCCAGCACTTCTGTTTGTACAGAAAGAGACCGGGGTATGACCAGCTGAACTAGC-3'
Protein context (NP_004928.2, residues 339-359): GVFSIVFDVV[Phe349Val]FIQHFCLYRK

ClinVar aggregate classification (germline): Conflicting classifications of pathogenicity. Review status: criteria provided, conflicting classifications (1 of 4 stars). 3 submissions from 3 submitters: Pathogenic (1); Uncertain significance (2). Last evaluated 2026-08-06.

Conditions:
Inborn genetic diseases. Identifiers: MedGen C0950123, MeSH D030342.
Ocular cystinosis. Also called: Non-Nephropathic Cystinosis; Non-Nephropathic (Ocular) Cystinosis. Identifiers: Orphanet 213, Orphanet 411641, MedGen C2931013, MONDO:0009064, OMIM 219750.
Juvenile nephropathic cystinosis. Also called: CYSTINOSIS, LATE-ONSET JUVENILE OR ADOLESCENT NEPHROPATHIC TYPE; Intermediate Cystinosis; Later-Onset (Juvenile) Cystinosis. Identifiers: Orphanet 213, Orphanet 411634, MedGen C0268626, MONDO:0009066, OMIM 219900.
Nephropathic cystinosis (CTNS). Also called: CYSTINOSIN, DEFECT OF; LYSOSOMAL CYSTINE TRANSPORT PROTEIN, DEFECT OF; Abderhalden Lignac Kaufmann disease; Abderhalden-Kaufmann-Lignac syndrome. Identifiers: Orphanet 213, Orphanet 411629, MedGen C2931187, MONDO:0100151, OMIM 219800.

Allele frequency attached by ClinVar (database versions not stated): gnomAD 0.00001; TOPMed 0.00001; ExAC 0.00002; gnomAD exomes 0.00001.

Submissions (3):

OLLIN Analises Genomicas, OLLIN
Classification: Uncertain significance for Ocular cystinosis. Last evaluated: 2026-08-06. Review status: criteria provided, single submitter. Criteria: ACMG Guidelines 2015 PMID 25741868. Collection method: clinical testing. Allele origin: germline. Inheritance: Autosomal recessive inheritance.
Comment: This missense variant, located in exon 12 (of 12), has been reported in ClinVar (accession VCV002069596.5) and in gnomAD with an allele frequency of 0.00025%. However, to our knowledge, it has not been reported in the scientific literature. In silico analysis predicts that this variant has a deleterious effect. According to the currently available evidence, this variant has been classified as uncertain significance (PM2_P, PP3_S).

Labcorp Genetics (formerly Invitae), Labcorp
Classification: Uncertain significance for Inborn genetic diseases; Ocular cystinosis; Juvenile nephropathic cystinosis. Last evaluated: 2025-04-17. Review status: criteria provided, single submitter. Criteria: Invitae Variant Classification Sherloc (09022015). Collection method: clinical testing. Allele origin: germline.
Comment: This sequence change replaces phenylalanine, which is neutral and non-polar, with valine, which is neutral and non-polar, at codon 349 of the CTNS protein (p.Phe349Val). This variant is present in population databases (rs748094459, gnomAD 0.002%). This variant has not been reported in the literature in individuals affected with CTNS-related conditions. ClinVar contains an entry for this variant (Variation ID: 2069596). Invitae Evidence Modeling of protein sequence and biophysical properties (such as structural, functional, and spatial information, amino acid conservation, physicochemical variation, residue mobility, and thermodynamic stability) indicates that this missense variant is expected to disrupt CTNS protein function with a positive predictive value of 80%. In summary, the available evidence is currently insufficient to determine the role of this variant in disease. Therefore, it has been classified as a Variant of Uncertain Significance.

Cellular and Molecular Research Center, Cellular and Molecular Medicine Research Institute,, Urmia University of Medical Sciences
Classification: Pathogenic for Nephropathic cystinosis. Review status: criteria provided, single submitter. Criteria: ACMG Guidelines, 2015. Collection method: clinical testing. Allele origin: germline. Inheritance: Autosomal recessive inheritance. Affected: yes.